The following is an entry in ClinVar:

NM_000719.7(CACNA1C):c.1342_1343delinsCT (p.Asp448Leu)

Gene: CACNA1C (calcium voltage-gated channel subunit alpha1 C; plus strand). Cytogenetic location: 12p13.33.
Variant type: Indel.
Coding change: c.1342_1343delinsCT on transcript NM_000719.7 (MANE Select); coding-DNA positions 1342 to 1343, GA replaced by CT.
Protein change: p.Asp448Leu; replaces aspartic acid 448 with leucine.
Molecular consequence: missense variant.
Genome position (GRCh38, 1-based): chr12:2,512,936-2,512,937, GA replaced by CT. VCF-style: chr12-2512936-GA-CT. GRCh37 (hg19) VCF-style: chr12-2622102-GA-CT.
Other names: c.1342_1343delinsCT, p.Asp448Leu (NM_001129827.2, NM_001129829.2, NM_001129830.3 and 18 more transcripts); c.1333_1334delinsCT, p.Asp445Leu (NM_001129844.2); short protein forms D445L, D448L.
Identifiers: ClinVar variation 2126218 (VCV002126218.4), dbSNP rs2507191114, ClinGen allele CA2580085143.
Genomic context (GRCh38, chr12:2,512,936, plus strand): 5'-CAGCAGCTAGAAGAGGATCTCAAAGGCTACCTGGATTGGATCACTCAGGCCGAAGACATC[GA>CT]TCCTGAGAATGAGGACGAAGGCATGGATGAGGAGAAGCCCCGAAACAGTGAGCAGCCGTC-3'
Protein context (NP_000710.5, residues 438-458): LDWITQAEDI[Asp448Leu]PENEDEGMDE

ClinVar aggregate classification (germline): Uncertain significance (1 of 4 stars; one submission).

Conditions:
Long QT syndrome (LQTS). Identifiers: MedGen C0023976, MeSH D008133, MONDO:0002442. Disease mechanism: loss of function. Inheritance: Various modes of inheritance.

Submission:

Labcorp Genetics (formerly Invitae), Labcorp
Classification: Uncertain significance for Long QT syndrome. Last evaluated: 2022-04-15. Review status: criteria provided, single submitter. Criteria: Invitae Variant Classification Sherloc (09022015). Collection method: clinical testing. Allele origin: germline.
Comment: Algorithms developed to predict the effect of missense changes on protein structure and function are either unavailable or do not agree on the potential impact of this missense change (SIFT: "Not Available"; PolyPhen-2: "Probably Damaging"; Align-GVGD: "Not Available"). In summary, the available evidence is currently insufficient to determine the role of this variant in disease. Therefore, it has been classified as a Variant of Uncertain Significance. This variant has not been reported in the literature in individuals affected with CACNA1C-related conditions. Information on the frequency of this variant in the gnomAD database is not available, as this variant may be reported differently in the database. This sequence change replaces aspartic acid, which is acidic and polar, with leucine, which is neutral and non-polar, at codon 448 of the CACNA1C protein (p.Asp448Leu).